The following is an entry in ClinVar:

ClinVar aggregate classification (germline): Uncertain significance (1 of 4 stars; one submission).

Conditions:
Perlman syndrome (PRLMNS). Identifiers: Orphanet 2849, MedGen C0796113, MONDO:0009965, OMIM 267000.

Submission:

Labcorp Genetics (formerly Invitae), Labcorp
Classification: Uncertain significance for Perlman syndrome. Last evaluated: 2021-11-20. Review status: criteria provided, single submitter. Criteria: Invitae Variant Classification Sherloc (09022015). Collection method: clinical testing. Allele origin: germline.
Comment: In summary, the available evidence is currently insufficient to determine the role of this variant in disease. Therefore, it has been classified as a Variant of Uncertain Significance. Algorithms developed to predict the effect of missense changes on protein structure and function (SIFT, PolyPhen-2, Align-GVGD) all suggest that this variant is likely to be disruptive. This variant has not been reported in the literature in individuals affected with DIS3L2-related conditions. This variant is not present in population databases (gnomAD no frequency). This sequence change replaces aspartic acid, which is acidic and polar, with tyrosine, which is neutral and polar, at codon 633 of the DIS3L2 protein (p.Asp633Tyr).

NM_152383.5(DIS3L2):c.1897G>T (p.Asp633Tyr)

Gene: DIS3L2 (DIS3 like 3'-5' exoribonuclease 2; plus strand). Cytogenetic location: 2q37.1.
Variant type: single nucleotide variant.
Coding change: c.1897G>T on transcript NM_152383.5 (MANE Select); coding-DNA position 1897, G replaced by T.
Protein change: p.Asp633Tyr; replaces aspartic acid 633 with tyrosine.
Molecular consequence: missense variant. On other transcripts: non-coding transcript variant (2), intron variant (1).
Genome position (GRCh38, 1-based): chr2:232,329,970, G>T. VCF-style: chr2-232329970-G-T. GRCh37 (hg19) VCF-style: chr2-233194680-G-T.
Other names: c.1582-13375G>T (NM_001257281.2); short protein forms D633Y.
Identifiers: ClinVar variation 1352683 (VCV001352683.6), dbSNP rs2106348198, ClinGen allele CA350976254.
Genomic context (GRCh38, chr2:232,329,970, plus strand): 5'-CCCCAAACAAGGATGCTCAGTGACCTGGTGGAATTCTGCGACCAGATGGGGCTGCCCGTG[G>T]ACTTCAGCTCCGCAGGAGCCCTCAATGTGAGTGGTGGGCAGGATTCGGGGGAGGCCCTGC-3'
Protein context (NP_689596.4, residues 623-643): EFCDQMGLPV[Asp633Tyr]FSSAGALNKS